The following is an entry in ClinVar:

ClinVar aggregate classification (germline): Uncertain significance. Review status: criteria provided, multiple submitters, no conflicts (2 of 4 stars). 3 submissions from 3 submitters: Uncertain significance (3). Last evaluated 2026-01-27.

Conditions:
Brugada syndrome 8 (BRGDA8). Identifiers: Orphanet 130, MedGen C2751083, MONDO:0013148, OMIM 613123.
Cardiovascular phenotype. Identifiers: MedGen CN230736.

Allele frequency attached by ClinVar (database versions not stated): gnomAD 0.00002; TOPMed 0.00005.
gnomAD v4.1: 26 of 1,600,584 alleles (0.0016%); highest among the groups gnomAD compares: Admixed American, 0.0033%; no homozygotes.

Submissions (3):

Labcorp Genetics (formerly Invitae), Labcorp
Classification: Uncertain significance for Brugada syndrome 8. Last evaluated: 2026-01-27. Review status: criteria provided, single submitter. Criteria: Invitae Variant Classification Sherloc (09022015). Collection method: clinical testing. Allele origin: germline.
Comment: This sequence change replaces alanine, which is neutral and non-polar, with threonine, which is neutral and polar, at codon 840 of the HCN4 protein (p.Ala840Thr). This variant is present in population databases (rs761507884, gnomAD 0.003%). This variant has not been reported in the literature in individuals affected with HCN4-related conditions. ClinVar contains an entry for this variant (Variation ID: 570401). Invitae Evidence Modeling of protein sequence and biophysical properties (such as structural, functional, and spatial information, amino acid conservation, physicochemical variation, residue mobility, and thermodynamic stability) indicates that this missense variant is not expected to disrupt HCN4 protein function with a negative predictive value of 95%. In summary, the available evidence is currently insufficient to determine the role of this variant in disease. Therefore, it has been classified as a Variant of Uncertain Significance.

Ambry Genetics
Classification: Uncertain significance for Cardiovascular phenotype. Last evaluated: 2024-09-23. Review status: criteria provided, single submitter. Criteria: Ambry Variant Classification Scheme 2023. Collection method: clinical testing. Allele origin: germline.
Comment: The p.A840T variant (also known as c.2518G>A), located in coding exon 8 of the HCN4 gene, results from a G to A substitution at nucleotide position 2518. The alanine at codon 840 is replaced by threonine, an amino acid with similar properties. This amino acid position is conserved. In addition, this alteration is predicted to be tolerated by in silico analysis. Since supporting evidence is limited at this time, the clinical significance of this alteration remains unclear.

Women's Health and Genetics/Laboratory Corporation of America, LabCorp
Classification: Uncertain significance. Last evaluated: 2024-08-27. Review status: criteria provided, single submitter. Criteria: LabCorp Variant Classification Summary - May 2015. Collection method: clinical testing. Allele origin: germline.
Comment: Variant summary: HCN4 c.2518G>A (p.Ala840Thr) results in a non-conservative amino acid change in the encoded protein sequence. Four of five in-silico tools predict a benign effect of the variant on protein function. The variant allele was found at a frequency of 1.7e-05 in 235064 control chromosomes. The available data on variant occurrences in the general population are insufficient to allow any conclusion about variant significance. To our knowledge, no occurrence of c.2518G>A in individuals affected with Sick Sinus Syndrome 2 and no experimental evidence demonstrating its impact on protein function have been reported. ClinVar contains an entry for this variant (Variation ID: 570401). Based on the evidence outlined above, the variant was classified as uncertain significance.

NM_005477.3(HCN4):c.2518G>A (p.Ala840Thr)

Gene: HCN4 (hyperpolarization activated cyclic nucleotide gated potassium channel 4; minus strand). Cytogenetic location: 15q24.1.
Variant type: single nucleotide variant.
Coding change: c.2518G>A on transcript NM_005477.3 (MANE Select); coding-DNA position 2518, G replaced by A.
Protein change: p.Ala840Thr; replaces alanine 840 with threonine.
Molecular consequence: missense variant.
Genome position (GRCh38, 1-based): chr15:73,323,575, C>T on the plus strand (G>A on the coding strand, the complement: HCN4 is on the minus strand). VCF-style: chr15-73323575-C-T. GRCh37 (hg19) VCF-style: chr15-73615916-C-T.
Other names: short protein forms A840T.
Identifiers: ClinVar variation 570401 (VCV000570401.12), dbSNP rs761507884, ClinGen allele CA7649009.